The following is an entry in ClinVar:

ClinVar aggregate classification (germline): Uncertain significance. Review status: criteria provided, multiple submitters, no conflicts (2 of 4 stars). 4 submissions from 4 submitters: Uncertain significance (4). Last evaluated 2026-04-24.

Conditions:
Hereditary cancer-predisposing syndrome. Also called: Tumor predisposition; Neoplastic Syndromes, Hereditary; Hereditary neoplastic syndrome; Hereditary Cancer Syndrome. Identifiers: Orphanet 140162, MedGen C0027672, MeSH D009386, MONDO:0015356.
Gastrointestinal stromal tumor. Also called: Gastrointestinal stromal tumor, somatic; Gastrointestinal stroma tumor. Identifiers: Orphanet 44890, MedGen C0238198, MeSH D046152, MONDO:0011719, OMIM 606764, HP:0100723.
Pheochromocytoma/paraganglioma syndrome 3. Also called: GLOMUS TUMORS, FAMILIAL, 3; SDHC-Related Hereditary Paraganglioma-Pheochromocytoma Syndrome (Paragangliomas 3); Paragangliomas 3; SDHC-Related Hereditary Paraganglioma-Pheochromocytoma Syndrome. Identifiers: Orphanet 29072, MedGen C1854336, MONDO:0011544, OMIM 605373.
Hereditary pheochromocytoma and paraganglioma. Also called: Hereditary paragangliomas and pheochromocytomas; Hereditary Paraganglioma-Pheochromocytoma Syndromes; Hereditary pheochromocytoma-paraganglioma. Identifiers: Orphanet 29072, MedGen C4274332, MONDO:0017366.

Submissions (4):

Ambry Genetics
Classification: Uncertain significance for Hereditary cancer-predisposing syndrome. Last evaluated: 2026-04-24. Review status: criteria provided, single submitter. Criteria: Ambry Variant Classification Scheme 2023. Collection method: clinical testing. Allele origin: germline.
Comment: The p.L120R variant (also known as c.359T>G), located in coding exon 5 of the SDHC gene, results from a T to G substitution at nucleotide position 359. The leucine at codon 120 is replaced by arginine, an amino acid with dissimilar properties. This amino acid position is conserved. In addition, this alteration is predicted to be deleterious by in silico analysis. Based on the available evidence, the clinical significance of this variant remains unclear.

GeneDx
Classification: Uncertain significance. Last evaluated: 2025-05-12. Review status: criteria provided, single submitter. Criteria: GeneDx Variant Classification Process June 2021. Collection method: clinical testing. Allele origin: germline. Affected: yes.
Comment: Not observed at significant frequency in large population cohorts (gnomAD); In silico analysis supports that this missense variant has a deleterious effect on protein structure/function; Has not been previously published as pathogenic or benign to our knowledge

All of Us Research Program, National Institutes of Health
Classification: Uncertain significance for Hereditary pheochromocytoma and paraganglioma. Last evaluated: 2024-03-05. Review status: criteria provided, single submitter. Criteria: ACMG Guidelines, 2015. Collection method: clinical testing. Allele origin: germline. Inheritance: Autosomal dominant inheritance. Observed: 1 variant allele, 1 heterozygote.
Comment: This study involves interpretation of variants in research participants for the purpose of population health screening. Participant phenotype was not available at the time of variant classification. Additional details can be found in publication PMID: 35346344, PMCID: PMC8962531

Labcorp Genetics (formerly Invitae), Labcorp
Classification: Uncertain significance for Pheochromocytoma/paraganglioma syndrome 3; Gastrointestinal stromal tumor. Last evaluated: 2021-11-19. Review status: criteria provided, single submitter. Criteria: Invitae Variant Classification Sherloc (09022015). Collection method: clinical testing. Allele origin: germline.
Comment: In summary, the available evidence is currently insufficient to determine the role of this variant in disease. Therefore, it has been classified as a Variant of Uncertain Significance. Algorithms developed to predict the effect of missense changes on protein structure and function are either unavailable or do not agree on the potential impact of this missense change (SIFT: "Deleterious"; PolyPhen-2: "Possibly Damaging"; Align-GVGD: "Class C0"). ClinVar contains an entry for this variant (Variation ID: 1021759). This variant has not been reported in the literature in individuals affected with SDHC-related conditions. This variant is not present in population databases (gnomAD no frequency). This sequence change replaces leucine, which is neutral and non-polar, with arginine, which is basic and polar, at codon 120 of the SDHC protein (p.Leu120Arg).

NM_003001.5(SDHC):c.359T>G (p.Leu120Arg)

Gene: SDHC (succinate dehydrogenase complex subunit C; plus strand). Cytogenetic location: 1q23.3.
Variant type: single nucleotide variant.
Coding change: c.359T>G on transcript NM_003001.5 (MANE Select); coding-DNA position 359, T replaced by G.
Protein change: p.Leu120Arg; replaces leucine 120 with arginine.
Molecular consequence: missense variant. On other transcripts: non-coding transcript variant (1), intron variant (3).
Genome position (GRCh38, 1-based): chr1:161,356,794, T>G. VCF-style: chr1-161356794-T-G. GRCh37 (hg19) VCF-style: chr1-161326584-T-G.
Other names: c.257T>G, p.Leu86Arg (NM_001035512.3); c.200T>G, p.Leu67Arg (NM_001035513.3); c.479T>G, p.Leu160Arg (NM_001407115.1); c.302T>G, p.Leu101Arg (NM_001407116.1); c.296T>G, p.Leu99Arg (NM_001407117.1); c.251T>G, p.Leu84Arg (NM_001407118.1); c.248T>G, p.Leu83Arg (NM_001407119.1, NM_001407120.1); c.242-5535T>G (NM_001035511.3); and 2 more; short protein forms L120R, L67R, L86R, L84R, L99R, L83R, L101R, L160R.
Identifiers: ClinVar variation 1021759 (VCV001021759.11), dbSNP rs1672292051, ClinGen allele CA343456617.
Genomic context (GRCh38, chr1:161,356,794, plus strand): 5'-TGGAACTTGTGAAGTCCCTGTGTCTGGGGCCAGCACTGATCCACACAGCTAAGTTTGCAC[T>G]TGTCTTCCCTCTCATGTATCATACCTGGAATGGGATCCGACACTTGGTAAGTTAATTCGG-3'
Protein context (NP_002992.1, residues 110-130): PALIHTAKFA[Leu120Arg]VFPLMYHTWN